The following is an entry in ClinVar:

NM_145207.3(AFG2A):c.1189G>A (p.Gly397Ser)

Gene: AFG2A (AAA ATPase AFG2A; plus strand). Cytogenetic location: 4q28.1.
Variant type: single nucleotide variant.
Coding change: c.1189G>A on transcript NM_145207.3 (MANE Select); coding-DNA position 1189, G replaced by A.
Protein change: p.Gly397Ser; replaces glycine 397 with serine.
Molecular consequence: missense variant.
Genome position (GRCh38, 1-based): chr4:122,935,755, G>A. VCF-style: chr4-122935755-G-A. GRCh37 (hg19) VCF-style: chr4-123856910-G-A.
Other names: c.1186G>A, p.Gly396Ser (NM_001317799.2, NM_001345856.2, NM_001437913.1); c.1189G>A, p.Gly397Ser (NM_001438322.1); short protein forms G396S, G397S.
Identifiers: ClinVar variation 5006726 (VCV005006726.2).

ClinVar aggregate classification (germline): Uncertain significance (1 of 4 stars; one submission).

Conditions:
Microcephaly-intellectual disability-sensorineural hearing loss-epilepsy-abnormal muscle tone syndrome (NEDHSB). Also called: NEURODEVELOPMENTAL DISORDER WITH HEARING LOSS, SEIZURES, AND BRAIN ABNORMALITIES. Identifiers: Orphanet 457351, MedGen C4225276, MONDO:0014698, OMIM 616577.

Submission:

Juno Genomics, Hangzhou Juno Genomics, Inc
Classification: Uncertain significance for Microcephaly-intellectual disability-sensorineural hearing loss-epilepsy-abnormal muscle tone syndrome. Review status: criteria provided, single submitter. Criteria: ACMG Guidelines, 2015. Collection method: clinical testing. Allele origin: germline.
Comment: Absent from controls (or at extremely low frequency if recessive) in Genome Aggregation Database.;Multiple lines of computational evidence support a deleterious effect on the gene or gene product.